The following is an entry in ClinVar:

ClinVar aggregate classification (germline): Likely benign. Review status: criteria provided, multiple submitters, no conflicts (2 of 4 stars). 2 submissions from 2 submitters: Likely benign (2). Last evaluated 2024-08-01.

gnomAD v4.1: 2 of 1,378,784 alleles (0.00015%); highest among the groups gnomAD compares: African/African-American, 0.0015%; no homozygotes.

Submissions (2):

CeGaT Center for Human Genetics Tuebingen
Classification: Likely benign. Last evaluated: 2024-08-01. Review status: criteria provided, single submitter. Criteria: CeGaT Center For Human Genetics Tuebingen Variant Classification Criteria Version 2. Collection method: clinical testing. Allele origin: germline. Affected: yes. Observed: 1 variant allele.
Comment: KCNT1: BP4, BP7

GeneDx
Classification: Likely benign. Last evaluated: 2018-05-02. Review status: criteria provided, single submitter. Criteria: GeneDx Variant Classification (06012015). Collection method: clinical testing. Allele origin: germline. Affected: yes.
Comment: This variant is considered likely benign or benign based on one or more of the following criteria: it is a conservative change, it occurs at a poorly conserved position in the protein, it is predicted to be benign by multiple in silico algorithms, and/or has population frequency not consistent with disease.

NM_020822.3(KCNT1):c.123G>C (p.Ala41=)

Gene: KCNT1 (potassium sodium-activated channel subfamily T member 1; plus strand). Cytogenetic location: 9q34.3.
Variant type: single nucleotide variant.
Coding change: c.123G>C on transcript NM_020822.3 (MANE Select); coding-DNA position 123, G replaced by C.
Protein change: p.Ala41=; no amino-acid change (alanine 41 retained).
Molecular consequence: synonymous variant. On other transcripts: intron variant (1).
Genome position (GRCh38, 1-based): chr9:135,714,589, G>C. VCF-style: chr9-135714589-G-C. GRCh37 (hg19) VCF-style: chr9-138606435-G-C.
Other names: c.110+12221G>C (NM_001272003.2).
Identifiers: ClinVar variation 682464 (VCV000682464.17), dbSNP rs1352859989, ClinGen allele CA467696470.